The following is an entry in ClinVar:

ClinVar aggregate classification (germline): Uncertain significance (1 of 4 stars; one submission).

Conditions:
Malignant hyperthermia, susceptibility to, 1 (MHS1). Also called: Anesthesia related hyperthermia; Malignant hyperpyrexia; Fulminating hyperpyrexia; Pharmacogenic myopathy; RYR1-Related Malignant Hyperthermia Susceptibility; Malignant hyperthermia suceptibility 1. Identifiers: Orphanet 423, MedGen C2930980, MONDO:0007783, OMIM 145600.

gnomAD v4.1: 1 of 1,613,966 alleles (0.000062%); no homozygotes.

Submission:

All of Us Research Program, National Institutes of Health
Classification: Uncertain significance for Malignant hyperthermia, susceptibility to, 1. Last evaluated: 2023-09-04. Review status: criteria provided, single submitter. Criteria: ACMG Guidelines, 2015. Collection method: clinical testing. Allele origin: germline. Inheritance: Autosomal dominant inheritance. Observed: 1 variant allele, 1 heterozygote.
Comment: This missense variant replaces tyrosine with cysteine at codon 245 of the RYR1 protein. Computational prediction is inconclusive regarding the impact of this variant on protein structure and function (internally defined REVEL score threshold 0.5 < inconclusive < 0.7, PMID: 27666373). To our knowledge, functional studies have not been reported for this variant. This variant has not been reported in individuals affected with RYR1-related disorders in the literature. This variant has not been identified in the general population by the Genome Aggregation Database (gnomAD). The available evidence is insufficient to determine the role of this variant in disease conclusively. Therefore, this variant is classified as a Variant of Uncertain Significance.

This study involves interpretation of variants in research participants for the purpose of population health screening. Participant phenotype was not available at the time of variant classification. Additional details can be found in publication PMID: 35346344, PMCID: PMC8962531

NM_000540.3(RYR1):c.734A>G (p.Tyr245Cys)

Gene: RYR1 (ryanodine receptor 1; plus strand). Cytogenetic location: 19q13.2.
Variant type: single nucleotide variant.
Coding change: c.734A>G on transcript NM_000540.3 (MANE Select); coding-DNA position 734, A replaced by G.
Protein change: p.Tyr245Cys; replaces tyrosine 245 with cysteine.
Molecular consequence: missense variant.
Genome position (GRCh38, 1-based): chr19:38,446,702, A>G. VCF-style: chr19-38446702-A-G. GRCh37 (hg19) VCF-style: chr19-38937342-A-G.
Other names: c.734A>G, p.Tyr245Cys (NM_001042723.2); short protein forms Y245C.
Identifiers: ClinVar variation 3073326 (VCV003073326.1), dbSNP rs1972958925, ClinGen allele CA405680127.